The following is an entry in ClinVar:

ClinVar aggregate classification (germline): Uncertain significance (1 of 4 stars; one submission).

Conditions:
Fibrous dysplasia of jaw (CRBM). Also called: Cherubism. Identifiers: Orphanet 184, MedGen C0008029, MONDO:0007315, OMIM 118400.

Submission:

Labcorp Genetics (formerly Invitae), Labcorp
Classification: Uncertain significance for Fibrous dysplasia of jaw. Last evaluated: 2025-02-26. Review status: criteria provided, single submitter. Criteria: Invitae Variant Classification Sherloc (09022015). Collection method: clinical testing. Allele origin: germline.
Comment: This sequence change replaces methionine, which is neutral and non-polar, with leucine, which is neutral and non-polar, at codon 6 of the SH3BP2 protein (p.Met6Leu). This variant is not present in population databases (gnomAD no frequency). This variant has not been reported in the literature in individuals affected with SH3BP2-related conditions. Invitae Evidence Modeling of protein sequence and biophysical properties (such as structural, functional, and spatial information, amino acid conservation, physicochemical variation, residue mobility, and thermodynamic stability) indicates that this missense variant is not expected to disrupt SH3BP2 protein function with a negative predictive value of 95%. In summary, the available evidence is currently insufficient to determine the role of this variant in disease. Therefore, it has been classified as a Variant of Uncertain Significance.

NM_001122681.2(SH3BP2):c.16A>C (p.Met6Leu)

Gene: SH3BP2 (SH3 domain binding protein 2; plus strand). Cytogenetic location: 4p16.3.
Variant type: single nucleotide variant.
Coding change: c.16A>C on transcript NM_001122681.2 (MANE Select); coding-DNA position 16, A replaced by C.
Protein change: p.Met6Leu; replaces methionine 6 with leucine.
Molecular consequence: missense variant.
Genome position (GRCh38, 1-based): chr4:2,820,633, A>C. VCF-style: chr4-2820633-A-C. GRCh37 (hg19) VCF-style: chr4-2822360-A-C.
Other names: c.100A>C, p.Met34Leu (NM_001145855.2); c.187A>C, p.Met63Leu (NM_001145856.2); c.16A>C, p.Met6Leu (NM_003023.4); short protein forms M63L, M34L, M6L.
Identifiers: ClinVar variation 3652979 (VCV003652979.2).